The following is an entry in ClinVar:

ClinVar aggregate classification (germline): Benign (1 of 4 stars; one submission).

Conditions:
Glucocorticoid resistance. Also called: Gccr deficiency; Glucocorticoid receptor deficiency; Cortisol resistance from glucocorticoid receptor defect; Gcr deficiency; Glucocorticoid resistance, generalized. Identifiers: Orphanet 786, MedGen C1841972, MONDO:0014421, OMIM 615962.

Allele frequency attached by ClinVar (database versions not stated): 1000 Genomes Project 30x 0.39569; 1000 Genomes Project 0.40156; gnomAD exomes 0.41667; TOPMed 0.46557; gnomAD 0.47506 and 0.48065.
gnomAD v4.1: 72,248 of 151,876 alleles (48%); highest among the groups gnomAD compares: Middle Eastern, 59%; 17,727 homozygotes.

Submission:

Illumina Laboratory Services, Illumina
Classification: Benign for Glucocorticoid resistance. Last evaluated: 2018-01-12. Review status: criteria provided, single submitter. Criteria: ICSL Variant Classification Criteria 13 December 2019. Collection method: clinical testing. Allele origin: germline.
Comment: This variant was observed in the ICSL laboratory as part of a predisposition screen in an ostensibly healthy population. It had not been previously curated by ICSL or reported in the Human Gene Mutation Database (HGMD: prior to June 1st, 2018), and was therefore a candidate for classification through an automated scoring system. Utilizing variant allele frequency, disease prevalence and penetrance estimates, and inheritance mode, an automated score was calculated to assess if this variant is too frequent to cause the disease. Based on the score and internal cut-off values, a variant classified as benign is not then subjected to further curation. The score for this variant resulted in a classification of benign for this disease.

NM_000176.3(NR3C1):c.*3298G>T

Gene: NR3C1 (nuclear receptor subfamily 3 group C member 1; minus strand). Cytogenetic location: 5q31.3.
Variant type: single nucleotide variant.
Coding change: c.*3298G>T on transcript NM_000176.3 (MANE Select); 3298 bases downstream of the stop codon, G replaced by T.
Molecular consequence: 3 prime UTR variant. On other transcripts: non-coding transcript variant (1).
Genome position (GRCh38, 1-based): chr5:143,278,591, C>A on the plus strand (G>T on the coding strand, the complement: NR3C1 is on the minus strand). VCF-style: chr5-143278591-C-A. GRCh37 (hg19) VCF-style: chr5-142658156-C-A.
Other names: c.*3298G>T (NM_001018074.1, NM_001018075.1, NM_001018076.2 and 15 more transcripts); c.*773G>T (NM_001020825.2).
Identifiers: ClinVar variation 351321 (VCV000351321.5), dbSNP rs6191, ClinGen allele CA10622917.